The following is an entry in ClinVar:

NM_001371246.1(SCN2A):c.635A>G (p.Asn212Ser)

Gene: SCN2A (sodium voltage-gated channel alpha subunit 2; plus strand). Cytogenetic location: 2q24.3.
Variant type: single nucleotide variant.
Coding change: c.635A>G on transcript NM_001371246.1 (MANE Plus Clinical); coding-DNA position 635, A replaced by G.
Protein change: p.Asn212Ser; replaces asparagine 212 with serine.
Molecular consequence: missense variant. On other transcripts: intron variant (3).
Genome position (GRCh38, 1-based): chr2:165,309,194, A>G. VCF-style: chr2-165309194-A-G. GRCh37 (hg19) VCF-style: chr2-166165704-A-G.
Other names: c.635A>G, p.Asn212Ser (NM_001040143.2); c.606-158A>G (NM_001040142.2, NM_001371247.1, NM_021007.3); short protein forms N212S.
Identifiers: ClinVar variation 5041568 (VCV005041568.1).

ClinVar aggregate classification (germline): Uncertain significance (1 of 4 stars; one submission).

gnomAD v4.1: 8 of 1,613,634 alleles (0.0005%); highest among the groups gnomAD compares: Admixed American, 0.0017%; no homozygotes.

Submission:

CeGaT Center for Human Genetics Tuebingen
Classification: Uncertain significance. Last evaluated: 2026-09-01. Review status: criteria provided, single submitter. Criteria: CeGaT Center For Human Genetics Tuebingen Variant Classification Criteria Version 2. Collection method: clinical testing. Allele origin: germline. Affected: yes. Observed: 1 variant allele.
Comment: SCN2A: PM5:Supporting, PP3